The following is an entry in ClinVar:

NM_015166.4(MLC1):c.705_712delCCTAGTGG (p.Val237fs)

Gene: MLC1 (modulator of VRAC current 1; minus strand). Cytogenetic location: 22q13.33.
Variant type: Deletion.
Coding change: c.705_712delCCTAGTGG on transcript NM_015166.4 (MANE Select); coding-DNA positions 705 to 712, CCTAGTGG deleted.
Protein change: p.Val237fs; shifts the reading frame from valine 237.
Molecular consequence: frameshift variant. On other transcripts: non-coding transcript variant (3).
Genome position: GRCh38 VCF-style: chr22-50074215-CGGCCACTA-C. GRCh37 (hg19) VCF-style: chr22-50512644-CGGCCACTA-C.
Other names: c.705_712delCCTAGTGG, p.Val237fs (NM_001376472.1, NM_001376473.1, NM_001376474.1 and 5 more transcripts); c.707_714del, p.Leu236fs (NM_001376479.1); c.615_622delCCTAGTGG, p.Val207fs (NM_001376480.1); c.603_610delCCTAGTGG, p.Val203fs (NM_001376481.1); c.549_556delCCTAGTGG, p.Val185fs (NM_001376482.1, NM_001376483.1); c.468_475delCCTAGTGG, p.Val158fs (NM_001376484.1); short protein forms V185fs, V237fs, V203fs, L236fs, V207fs, V158fs.
Identifiers: ClinVar variation 1362299 (VCV001362299.6), dbSNP rs2146858081, ClinGen allele CA2573158225.
Genomic context (GRCh38, chr22:50,074,215, plus strand): 5'-CACGCAGGATCTGAGCAGTGTGGCCCAGAGCGGCGGCGGGCGGGCCAGAGGGGTTACTCA[CGGCCACTA>C]GGATCCAAAAGAACGTCACTGAGAGGTGTGGGCCTGAAACTGAGTCATCCACGTTCAGGG-3'

ClinVar aggregate classification (germline): Pathogenic (1 of 4 stars; one submission).

Submission:

Labcorp Genetics (formerly Invitae), Labcorp
Classification: Pathogenic. Last evaluated: 2022-04-11. Review status: criteria provided, single submitter. Criteria: Invitae Variant Classification Sherloc (09022015). Collection method: clinical testing. Allele origin: germline.
Comment: Algorithms developed to predict the effect of sequence changes on RNA splicing suggest that this variant may disrupt the consensus splice site. This sequence change creates a premature translational stop signal (p.Val237Leufs*52) in the MLC1 gene. It is expected to result in an absent or disrupted protein product. Loss-of-function variants in MLC1 are known to be pathogenic (PMID: 11254442, 16470554, 24824219). This variant is not present in population databases (gnomAD no frequency). This variant has not been reported in the literature in individuals affected with MLC1-related conditions. For these reasons, this variant has been classified as Pathogenic.

Literature cited by the submitters: PubMed 11254442; PubMed 16470554; PubMed 24824219.